The following is an entry in ClinVar:

ClinVar aggregate classification (germline): Uncertain significance. Review status: criteria provided, multiple submitters, no conflicts (2 of 4 stars). 2 submissions from 2 submitters: Uncertain significance (2). Last evaluated 2024-10-03.

Conditions:
Short-rib thoracic dysplasia 11 with or without polydactyly (SRTD11). Also called: SHORT-RIB THORACIC DYSPLASIA 11 WITHOUT POLYDACTYLY. Identifiers: Orphanet 474, Orphanet 93271, MedGen C3810200, MONDO:0014287, OMIM 615633.
Inborn genetic diseases. Identifiers: MedGen C0950123, MeSH D030342.

Allele frequency attached by ClinVar (database versions not stated): ExAC 0.00004; gnomAD 0.00005 and 0.00006; gnomAD exomes 0.00005 and 0.00010; ESP Exome Variant Server 0.00008; TOPMed 0.00009.
gnomAD v4.1: 179 of 1,613,480 alleles (0.011%); highest among the groups gnomAD compares: Non-Finnish European, 0.012%; no homozygotes.

Submissions (2):

Ambry Genetics
Classification: Uncertain significance for Inborn genetic diseases. Last evaluated: 2024-10-03. Review status: criteria provided, single submitter. Criteria: Ambry Variant Classification Scheme 2023. Collection method: clinical testing. Allele origin: germline.

Labcorp Genetics (formerly Invitae), Labcorp
Classification: Uncertain significance for Short-rib thoracic dysplasia 11 with or without polydactyly. Last evaluated: 2022-10-04. Review status: criteria provided, single submitter. Criteria: Invitae Variant Classification Sherloc (09022015). Collection method: clinical testing. Allele origin: germline.
Comment: This sequence change replaces arginine, which is basic and polar, with glutamine, which is neutral and polar, at codon 522 of the WDR34 protein (p.Arg522Gln). This variant is present in population databases (rs373418441, gnomAD 0.01%). This variant has not been reported in the literature in individuals affected with WDR34-related conditions. ClinVar contains an entry for this variant (Variation ID: 936974). Algorithms developed to predict the effect of missense changes on protein structure and function are either unavailable or do not agree on the potential impact of this missense change (SIFT: "Deleterious"; PolyPhen-2: "Benign"; Align-GVGD: "Class C35"). In summary, the available evidence is currently insufficient to determine the role of this variant in disease. Therefore, it has been classified as a Variant of Uncertain Significance.

NM_052844.4(DYNC2I2):c.1565G>A (p.Arg522Gln)

Gene: DYNC2I2 (dynein 2 intermediate chain 2; minus strand). Cytogenetic location: 9q34.11.
Variant type: single nucleotide variant.
Coding change: c.1565G>A on transcript NM_052844.4 (MANE Select); coding-DNA position 1565, G replaced by A.
Protein change: p.Arg522Gln; replaces arginine 522 with glutamine.
Molecular consequence: missense variant.
Genome position (GRCh38, 1-based): chr9:128,633,790, C>T on the plus strand (G>A on the coding strand, the complement: DYNC2I2 is on the minus strand). VCF-style: chr9-128633790-C-T. GRCh37 (hg19) VCF-style: chr9-131396069-C-T.
Other names: short protein forms R522Q.
Identifiers: ClinVar variation 936974 (VCV000936974.6), dbSNP rs373418441, ClinGen allele CA5266156.